The following is an entry in ClinVar:

ClinVar aggregate classification (germline): Conflicting classifications of pathogenicity. Review status: criteria provided, conflicting classifications (1 of 4 stars). 5 submissions from 5 submitters: Uncertain significance (1); Likely benign (3). 1 of the submissions does not count toward it. Last evaluated 2026-01-26.

Conditions:
DVL1-related disorder. Also called: DVL1-related condition.
Autosomal dominant Robinow syndrome 2. Identifiers: Orphanet 3107, Orphanet 97360, MedGen C4225363, MONDO:0014591, OMIM 616331.

Allele frequency attached by ClinVar (database versions not stated): ESP Exome Variant Server 0.00024; ExAC 0.00028; 1000 Genomes Project 0.00060; 1000 Genomes Project 30x 0.00078.

Submissions (5):

Labcorp Genetics (formerly Invitae), Labcorp
Classification: Likely benign. Last evaluated: 2026-01-26. Review status: criteria provided, single submitter. Criteria: Invitae Variant Classification Sherloc (09022015). Collection method: clinical testing. Allele origin: germline.

CeGaT Center for Human Genetics Tuebingen
Classification: Likely benign. Last evaluated: 2025-07-01. Review status: criteria provided, single submitter. Criteria: CeGaT Center For Human Genetics Tuebingen Variant Classification Criteria Version 2. Collection method: clinical testing. Allele origin: germline. Affected: yes. Observed: 4 variant alleles.
Comment: DVL1: BS1

Blueprint Genetics
Classification: Likely benign. Last evaluated: 2024-10-09. Review status: criteria provided, single submitter. Criteria: ACMG Guidelines, 2015. Collection method: clinical testing. Allele origin: germline.

Revvity Omics, Revvity
Classification: Uncertain significance for Autosomal dominant Robinow syndrome 2. Last evaluated: 2020-10-01. Review status: criteria provided, single submitter. Criteria: ACMG Guidelines, 2015. Collection method: clinical testing. Allele origin: germline.

PreventionGenetics, part of Exact Sciences
Classification: Likely benign for DVL1-related condition. Last evaluated: 2022-08-29. Review status: no assertion criteria provided. Collection method: clinical testing. Allele origin: germline. Not counted in ClinVar's aggregate classification.
Comment: This variant is classified as likely benign based on ACMG/AMP sequence variant interpretation guidelines (Richards et al. 2015 PMID: 25741868, with internal and published modifications).

NM_001330311.2(DVL1):c.2005G>T (p.Val669Phe)

Gene: DVL1 (dishevelled segment polarity protein 1; minus strand). Cytogenetic location: 1p36.33.
Variant type: single nucleotide variant.
Coding change: c.2005G>T on transcript NM_001330311.2 (MANE Select); coding-DNA position 2005, G replaced by T.
Protein change: p.Val669Phe; replaces valine 669 with phenylalanine.
Molecular consequence: missense variant.
Genome position (GRCh38, 1-based): chr1:1,336,225, C>A on the plus strand (G>T on the coding strand, the complement: DVL1 is on the minus strand). VCF-style: chr1-1336225-C-A. GRCh37 (hg19) VCF-style: chr1-1271605-C-A.
Other names: c.1930G>T, p.Val644Phe (NM_004421.3); c.1930G>T (NM_004421.2); short protein forms V644F, V669F.
Identifiers: ClinVar variation 1562503 (VCV001562503.34), dbSNP rs374440563, ClinGen allele CA519747.
Genomic context (GRCh38, chr1:1,336,225, plus strand): 5'-CGCAGGGGTTCCCCATAGCCTTCTGGAAGGACTGGCGGCTGCCTGTCAATTCCGGGGGGA[C>A]GGCAGCCAGCTCCCGGACAGGGGGTCCCCCGGGTGGCCCCCCCACCACTGTATAGGCCTT-3'
Protein context (NP_001317240.1, residues 659-679): GGPPVRELAA[Val669Phe]PPELTGSRQS